The following is an entry in ClinVar:

NM_003482.4(KMT2D):c.11746C>T (p.Gln3916Ter)

Gene: KMT2D (lysine methyltransferase 2D; minus strand). Cytogenetic location: 12q13.12.
Variant type: single nucleotide variant.
Coding change: c.11746C>T on transcript NM_003482.4 (MANE Select); coding-DNA position 11746, C replaced by T.
Protein change: p.Gln3916Ter; replaces glutamine 3916 with a stop codon.
Molecular consequence: nonsense.
Genome position (GRCh38, 1-based): chr12:49,032,959, G>A on the plus strand (C>T on the coding strand, the complement: KMT2D is on the minus strand). VCF-style: chr12-49032959-G-A. GRCh37 (hg19) VCF-style: chr12-49426742-G-A.
Other names: short protein forms Q3916*.
Identifiers: ClinVar variation 2431906 (VCV002431906.1), dbSNP rs2120437179, ClinGen allele CA384715899.

ClinVar aggregate classification (germline): Likely pathogenic (1 of 4 stars; one submission).

Conditions:
Kabuki syndrome 1 (KABUK1). Also called: KMT2D-Related Kabuki Syndrome. Identifiers: Orphanet 2322, MedGen CN030661, MONDO:0007843, OMIM 147920.

Submission:

Laboratorio de Genetica e Diagnostico Molecular, Hospital Israelita Albert Einstein
Classification: Likely pathogenic for Kabuki syndrome 1. Last evaluated: 2022-05-16. Review status: criteria provided, single submitter. Criteria: ACMG Guidelines, 2015. Collection method: clinical testing. Allele origin: germline. Affected: yes. Observed: 1 variant allele.
Comment: ACMG classification criteria: PVS1 very strong, PM2 moderated